The following is an entry in ClinVar:

ClinVar aggregate classification (germline): Uncertain significance. Review status: criteria provided, multiple submitters, no conflicts (2 of 4 stars). 2 submissions from 2 submitters: Uncertain significance (2). Last evaluated 2024-09-17.

Allele frequency attached by ClinVar (database versions not stated): TOPMed 0.00001.

Submissions (2):

GeneDx
Classification: Uncertain significance. Last evaluated: 2024-09-17. Review status: criteria provided, single submitter. Criteria: GeneDx Variant Classification Process June 2021. Collection method: clinical testing. Allele origin: germline. Affected: yes.
Comment: Not observed at significant frequency in large population cohorts (gnomAD); In silico analysis supports that this missense variant has a deleterious effect on protein structure/function; Has not been previously published as pathogenic or benign to our knowledge

Labcorp Genetics (formerly Invitae), Labcorp
Classification: Uncertain significance. Last evaluated: 2023-11-17. Review status: criteria provided, single submitter. Criteria: Invitae Variant Classification Sherloc (09022015). Collection method: clinical testing. Allele origin: germline.
Comment: This sequence change replaces proline, which is neutral and non-polar, with leucine, which is neutral and non-polar, at codon 1874 of the ALPK3 protein (p.Pro1874Leu). This variant is not present in population databases (gnomAD no frequency). This variant has not been reported in the literature in individuals affected with ALPK3-related conditions. An algorithm developed to predict the effect of missense changes on protein structure and function (PolyPhen-2) suggests that this variant is likely to be tolerated. In summary, the available evidence is currently insufficient to determine the role of this variant in disease. Therefore, it has been classified as a Variant of Uncertain Significance.

NM_020778.5(ALPK3):c.5015C>T (p.Pro1672Leu)

Gene: ALPK3 (alpha kinase 3; plus strand). Cytogenetic location: 15q25.3.
Variant type: single nucleotide variant.
Coding change: c.5015C>T on transcript NM_020778.5 (MANE Select); coding-DNA position 5015, C replaced by T.
Protein change: p.Pro1672Leu; replaces proline 1672 with leucine.
Molecular consequence: missense variant.
Genome position (GRCh38, 1-based): chr15:84,868,353, C>T. VCF-style: chr15-84868353-C-T. GRCh37 (hg19) VCF-style: chr15-85411584-C-T.
Other names: short protein forms P1672L.
Identifiers: ClinVar variation 3011243 (VCV003011243.4), dbSNP rs1244763962, ClinGen allele CA393366213.
Genomic context (GRCh38, chr15:84,868,353, plus strand): 5'-TGAGTCCTCAGCCCCAGAAGAAAGGCCTCCCTAGTCCTCAGGGCACCCGGAAGAGTGCTC[C>T]AAGTTCCAAGGCCACCCCTCAGGCCTCAGAGCCAGTCACCACTCAGTTGTTGGGACAGCC-3'
Protein context (NP_065829.4, residues 1662-1682): PSPQGTRKSA[Pro1672Leu]SSKATPQASE